The following is an entry in ClinVar:

NM_014423.4(AFF4):c.25_38del (p.Leu9fs)

Gene: AFF4 (ALF transcription elongation factor 4; minus strand). Cytogenetic location: 5q31.1.
Variant type: Deletion.
Coding change: c.25_38del on transcript NM_014423.4 (MANE Select); coding-DNA positions 25 to 38, 14 bases deleted (CTGCGTATGAAAGA).
Protein change: p.Leu9fs; shifts the reading frame from leucine 9.
Molecular consequence: frameshift variant.
Genome position (GRCh38, 1-based): chr5:132,937,152-132,937,165, TCTTTCATACGCAG deleted on the plus strand (CTGCGTATGAAAGA on the coding strand, the reverse complement: AFF4 is on the minus strand). VCF-style (leftmost placement, unchanged base first): chr5-132937151-TTCTTTCATACGCAG-T. GRCh37 (hg19) VCF-style: chr5-132272843-TTCTTTCATACGCAG-T.
Other names: short protein forms L9fs.
Identifiers: ClinVar variation 3766353 (VCV003766353.1).

ClinVar aggregate classification (germline): Uncertain significance (1 of 4 stars; one submission).

Submission:

GeneDx
Classification: Uncertain significance. Last evaluated: 2024-08-29. Review status: criteria provided, single submitter. Criteria: GeneDx Variant Classification Process June 2021. Collection method: clinical testing. Allele origin: germline. Affected: yes.
Comment: Not observed at significant frequency in large population cohorts (gnomAD); Frameshift variant predicted to result in protein truncation or nonsense mediated decay in a gene or region of a gene for which loss of function is not a well-established mechanism of disease; Has not been previously published as pathogenic or benign to our knowledge